The following is an entry in ClinVar:

NM_001352964.2(DENND1A):c.1806C>T (p.Gly602=)

Gene: DENND1A (DENN domain containing 1A; minus strand). Cytogenetic location: 9q33.3.
Variant type: single nucleotide variant.
Coding change: c.1806C>T on transcript NM_001352964.2 (MANE Select); coding-DNA position 1806, C replaced by T.
Protein change: p.Gly602=; no amino-acid change (glycine 602 retained).
Molecular consequence: synonymous variant.
Genome position (GRCh38, 1-based): chr9:123,383,868, G>A on the plus strand (C>T on the coding strand, the complement: DENND1A is on the minus strand). VCF-style: chr9-123383868-G-A. GRCh37 (hg19) VCF-style: chr9-126146147-G-A.
Other names: NC_000009.11:g.126146147G>A; c.1656C>T, p.Gly552= (NM_001352965.2, NM_001400449.1); c.1752C>T, p.Gly584= (NM_001393654.1); c.1623C>T, p.Gly541= (NM_020946.2).
Identifiers: ClinVar variation 3387852 (VCV003387852.15).

ClinVar aggregate classification (germline): Benign (1 of 4 stars; one submission).

gnomAD v4.1: 21,130 of 1,613,102 alleles (1.3%); highest among the groups gnomAD compares: Non-Finnish European, 1.5%; 190 homozygotes.

Submissions (8):

CeGaT Center for Human Genetics Tuebingen
Classification: Benign. Last evaluated: 2024-11-01. Review status: criteria provided, single submitter. Criteria: CeGaT Center For Human Genetics Tuebingen Variant Classification Criteria Version 2. Collection method: clinical testing. Allele origin: germline. Affected: yes. Observed: 1 variant allele.
Comment: DENND1A: BP4, BP7, BS1, BS2

Dr. Peter K. Rogan Lab, Western University
No classification provided (evidence only). Condition: Lung cancer. Review status: no classification provided. Collection method: in vitro. Allele origin: not applicable. Functional consequence: retained intron. Not counted in ClinVar's aggregate classification.

Dr. Peter K. Rogan Lab, Western University
No classification provided (evidence only). Condition: Colon adenocarcinoma. Review status: no classification provided. Collection method: in vitro. Allele origin: not applicable. Functional consequence: retained intron. Not counted in ClinVar's aggregate classification.

Dr. Peter K. Rogan Lab, Western University
No classification provided (evidence only). Condition: Sarcoma. Review status: no classification provided. Collection method: in vitro. Allele origin: not applicable. Functional consequence: retained intron. Not counted in ClinVar's aggregate classification.

Dr. Peter K. Rogan Lab, Western University
No classification provided (evidence only). Condition: Hepatocellular carcinoma. Review status: no classification provided. Collection method: in vitro. Allele origin: not applicable. Functional consequence: retained intron. Not counted in ClinVar's aggregate classification.

Dr. Peter K. Rogan Lab, Western University
No classification provided (evidence only). Condition: Hepatocellular carcinoma. Review status: no classification provided. Collection method: in vitro. Allele origin: not applicable. Functional consequence: retained intron. Not counted in ClinVar's aggregate classification.

Dr. Peter K. Rogan Lab, Western University
No classification provided (evidence only). Condition: Nonpapillary renal cell carcinoma. Review status: no classification provided. Collection method: in vitro. Allele origin: not applicable. Functional consequence: retained intron. Not counted in ClinVar's aggregate classification.

Dr. Peter K. Rogan Lab, Western University
No classification provided (evidence only). Condition: Nonpapillary renal cell carcinoma. Review status: no classification provided. Collection method: in vitro. Allele origin: not applicable. Functional consequence: retained intron. Not counted in ClinVar's aggregate classification.